The following is an entry in ClinVar:

NM_014363.6(SACS):c.10387T>C (p.Tyr3463His)

Gene: SACS (sacsin molecular chaperone; minus strand). Cytogenetic location: 13q12.12.
Variant type: single nucleotide variant.
Coding change: c.10387T>C on transcript NM_014363.6 (MANE Select); coding-DNA position 10387, T replaced by C.
Protein change: p.Tyr3463His; replaces tyrosine 3463 with histidine.
Molecular consequence: missense variant.
Genome position (GRCh38, 1-based): chr13:23,333,489, A>G on the plus strand (T>C on the coding strand, the complement: SACS is on the minus strand). VCF-style: chr13-23333489-A-G. GRCh37 (hg19) VCF-style: chr13-23907628-A-G.
Other names: c.9946T>C, p.Tyr3316His (NM_001278055.2); short protein forms Y3463H, Y3316H.
Identifiers: ClinVar variation 964123 (VCV000964123.7), dbSNP rs1883623876, ClinGen allele CA387512326.
Genomic context (GRCh38, chr13:23,333,489, plus strand): 5'-GTAAGAGGTGTTTCAAATATACCTCAAGATCATCTACAGGTACACAACCAATCACCTCAT[A>G]TAGTTCTTTTAAGTGTATTTTTTCTTCAAGAAATGCAGATGATGATGACTGTGTCCATTT-3'
Protein context (NP_055178.3, residues 3453-3473): LEEKIHLKEL[Tyr3463His]EVIGCVPVDD

ClinVar aggregate classification (germline): Uncertain significance. Review status: criteria provided, single submitter (1 of 4 stars). 2 submissions from 2 submitters: Uncertain significance (1). 1 of the submissions does not count toward it. Last evaluated 2021-08-27.

Conditions:
Spastic paraplegia. Identifiers: MedGen C0037772, HP:0001258.
Charlevoix-Saguenay spastic ataxia (SACS). Also called: AUTOSOMAL RECESSIVE SPASTIC ATAXIA OF CHARLEVOIX-SAGUENAY; Spastic ataxia of Charlevoix-Saguenay; SPASTIC ATAXIA 6, AUTOSOMAL RECESSIVE. Identifiers: Orphanet 98, MedGen C1849140, MONDO:0010041, OMIM 270550.

Allele frequency attached by ClinVar (database versions not stated): gnomAD exomes below 0.00001.
gnomAD v4.1: 3 of 1,613,226 alleles (0.00019%); highest among the groups gnomAD compares: Non-Finnish European, 0.00025%; no homozygotes.

Submissions (2):

Labcorp Genetics (formerly Invitae), Labcorp
Classification: Uncertain significance for Spastic paraplegia. Last evaluated: 2021-08-27. Review status: criteria provided, single submitter. Criteria: Invitae Variant Classification Sherloc (09022015). Collection method: clinical testing. Allele origin: germline.
Comment: This sequence change replaces tyrosine with histidine at codon 3463 of the SACS protein (p.Tyr3463His). The tyrosine residue is moderately conserved and there is a moderate physicochemical difference between tyrosine and histidine. This variant is not present in population databases (ExAC no frequency). This variant has not been reported in the literature in individuals affected with SACS-related conditions. Algorithms developed to predict the effect of missense changes on protein structure and function are either unavailable or do not agree on the potential impact of this missense change (SIFT: "Deleterious"; PolyPhen-2: "Probably Damaging"; Align-GVGD: "Class C0"). In summary, the available evidence is currently insufficient to determine the role of this variant in disease. Therefore, it has been classified as a Variant of Uncertain Significance.

Natera, Inc.
Classification: Uncertain significance for Charlevoix-Saguenay type spastic ataxia. Last evaluated: 2020-10-28. Review status: no assertion criteria provided. Collection method: clinical testing. Allele origin: germline. Not counted in ClinVar's aggregate classification.